The following is an entry in ClinVar:

ClinVar aggregate classification (germline): Benign. Review status: criteria provided, multiple submitters, no conflicts (2 of 4 stars). 3 submissions from 3 submitters: Benign (2). 1 of the submissions does not count toward it. Last evaluated 2025-10-27.

Conditions:
SPECC1L-related disorder. Also called: SPECC1L-related condition.

Allele frequency attached by ClinVar (database versions not stated): gnomAD exomes 0.00034; ExAC 0.00046; 1000 Genomes Project 0.00080; gnomAD 0.00135 and 0.00150; 1000 Genomes Project 30x 0.00141; TOPMed 0.00159; ESP Exome Variant Server 0.00208.
gnomAD v4.1: 415 of 1,598,222 alleles (0.026%); highest among the groups gnomAD compares: African/African-American, 0.5%; 1 homozygote.

Submissions (3):

Labcorp Genetics (formerly Invitae), Labcorp
Classification: Benign. Last evaluated: 2025-10-27. Review status: criteria provided, single submitter. Criteria: Invitae Variant Classification Sherloc (09022015). Collection method: clinical testing. Allele origin: germline.

Breakthrough Genomics
Classification: Benign. Review status: criteria provided, single submitter. Criteria: ACMG Guidelines, 2015. Collection method: not provided. Allele origin: germline. Inheritance: Autosomal dominant inheritance. Affected: yes.

PreventionGenetics, part of Exact Sciences
Classification: Benign for SPECC1L-related condition. Last evaluated: 2024-03-06. Review status: no assertion criteria provided. Collection method: clinical testing. Allele origin: germline. Not counted in ClinVar's aggregate classification.
Comment: This variant is classified as benign based on ACMG/AMP sequence variant interpretation guidelines (Richards et al. 2015 PMID: 25741868, with internal and published modifications).

NM_015330.6(SPECC1L):c.1729A>C (p.Asn577His)

Genes: SPECC1L (sperm antigen with calponin homology and coiled-coil domains 1 like; plus strand), SPECC1L-ADORA2A (SPECC1L-ADORA2A readthrough (NMD candidate); plus strand). Cytogenetic location: 22q11.23.
Variant type: single nucleotide variant.
Coding change: c.1729A>C on transcript NM_015330.6 (MANE Select); coding-DNA position 1729, A replaced by C.
Protein change: p.Asn577His; replaces asparagine 577 with histidine.
Molecular consequence: missense variant. On other transcripts: non-coding transcript variant (1).
Genome position (GRCh38, 1-based): chr22:24,322,709, A>C. VCF-style: chr22-24322709-A-C. GRCh37 (hg19) VCF-style: chr22-24718677-A-C.
Other names: c.1729A>C, p.Asn577His (NM_001145468.4, NM_001254732.3); short protein forms N577H.
Identifiers: ClinVar variation 708016 (VCV000708016.10), dbSNP rs61742709, ClinGen allele CA10152159.